The following is an entry in ClinVar:

ClinVar aggregate classification (germline): Uncertain significance. Review status: criteria provided, multiple submitters, no conflicts (2 of 4 stars). 3 submissions from 3 submitters: Uncertain significance (3). Last evaluated 2025-08-19.

Conditions:
Cardiovascular phenotype. Identifiers: MedGen CN230736.
Cutis laxa, autosomal recessive, type 1B (ARCL1B). Also called: CUTIS LAXA, AUTOSOMAL RECESSIVE, TYPE IB; EFEMP2-Related Cutis Laxa. Identifiers: Orphanet 90349, MedGen C3280798, MONDO:0013754, OMIM 614437. Disease mechanism: loss of function.

Allele frequency attached by ClinVar (database versions not stated): TOPMed below 0.00001; ExAC 0.00001; gnomAD exomes 0.00001; gnomAD 0.00002.
gnomAD v4.1: 24 of 1,613,850 alleles (0.0015%); highest among the groups gnomAD compares: Middle Eastern, 0.016%; no homozygotes.

Submissions (3):

Ambry Genetics
Classification: Uncertain significance for Cardiovascular phenotype. Last evaluated: 2025-08-19. Review status: criteria provided, single submitter. Criteria: Ambry Variant Classification Scheme 2023. Collection method: clinical testing. Allele origin: germline.
Comment: The p.R264H variant (also known as c.791G>A), located in coding exon 7 of the EFEMP2 gene, results from a G to A substitution at nucleotide position 791. The arginine at codon 264 is replaced by histidine, an amino acid with highly similar properties. This amino acid position is conserved. In addition, this alteration is predicted to be tolerated by in silico analysis. Since supporting evidence is limited at this time, the clinical significance of this alteration remains unclear.

Labcorp Genetics (formerly Invitae), Labcorp
Classification: Uncertain significance for Cutis laxa, autosomal recessive, type 1B. Last evaluated: 2021-07-17. Review status: criteria provided, single submitter. Criteria: Invitae Variant Classification Sherloc (09022015). Collection method: clinical testing. Allele origin: germline.
Comment: Algorithms developed to predict the effect of missense changes on protein structure and function are either unavailable or do not agree on the potential impact of this missense change (SIFT: "Deleterious"; PolyPhen-2: "Benign"; Align-GVGD: "Class C25"). This sequence change replaces arginine with histidine at codon 264 of the EFEMP2 protein (p.Arg264His). The arginine residue is highly conserved and there is a small physicochemical difference between arginine and histidine. This variant is present in population databases (rs749794461, ExAC 0.002%). This variant has not been reported in the literature in individuals affected with EFEMP2-related conditions. In summary, the available evidence is currently insufficient to determine the role of this variant in disease. Therefore, it has been classified as a Variant of Uncertain Significance.

GeneDx
Classification: Uncertain significance. Last evaluated: 2020-03-04. Review status: criteria provided, single submitter. Criteria: GeneDx Variant Classification Process June 2021. Collection method: clinical testing. Allele origin: germline. Affected: yes.
Comment: Has not been previously published as pathogenic or benign to our knowledge; Not observed at a significant frequency in large population cohorts (Lek et al., 2016); In silico analysis supports that this missense variant does not alter protein structure/function

NM_016938.5(EFEMP2):c.791G>A (p.Arg264His)

Gene: EFEMP2 (EGF-like fibulin extracellular matrix protein 2; minus strand). Cytogenetic location: 11q13.1.
Variant type: single nucleotide variant.
Coding change: c.791G>A on transcript NM_016938.5 (MANE Select); coding-DNA position 791, G replaced by A.
Protein change: p.Arg264His; replaces arginine 264 with histidine.
Molecular consequence: missense variant. On other transcripts: non-coding transcript variant (1).
Genome position (GRCh38, 1-based): chr11:65,868,566, C>T on the plus strand (G>A on the coding strand, the complement: EFEMP2 is on the minus strand). VCF-style: chr11-65868566-C-T. GRCh37 (hg19) VCF-style: chr11-65636037-C-T.
Other names: short protein forms R264H.
Identifiers: ClinVar variation 1311523 (VCV001311523.12), dbSNP rs749794461, ClinGen allele CA6110525.